The following is an entry in ClinVar:

ClinVar aggregate classification (germline): Benign/Likely benign. Review status: criteria provided, multiple submitters, no conflicts (2 of 4 stars). 3 submissions from 3 submitters: Benign (1); Likely benign (1). 1 of the submissions does not count toward it. Last evaluated 2025-07-29.

Conditions:
SF3B4-related disorder. Also called: SF3B4-related condition.

Allele frequency attached by ClinVar (database versions not stated): gnomAD exomes 0.00003 and 0.00007; ExAC 0.00009; ESP Exome Variant Server 0.00015; gnomAD 0.00036; TOPMed 0.00037.

Submissions (3):

PreventionGenetics, part of Exact Sciences
Classification: Likely benign for SF3B4-related condition. Last evaluated: 2025-07-29. Review status: criteria provided, single submitter. Criteria: ACMG Guidelines, 2015. Collection method: clinical testing. Allele origin: germline.
Comment: This variant is classified as likely benign based on ACMG/AMP sequence variant interpretation guidelines (Richards et al. 2015 PMID: 25741868, with internal and published modifications).

Labcorp Genetics (formerly Invitae), Labcorp
Classification: Benign. Last evaluated: 2021-04-27. Review status: criteria provided, single submitter. Criteria: Invitae Variant Classification Sherloc (09022015). Collection method: clinical testing. Allele origin: germline.

Department of Pathology and Laboratory Medicine, Sinai Health System
Classification: Likely benign. Review status: no assertion criteria provided. Collection method: clinical testing. Allele origin: unknown. Affected: yes. Study: The Canadian Open Genetics Repository (COGR). Not counted in ClinVar's aggregate classification.
Comment: The SF3B4 p.Gly305Gly variant was not identified in the literature nor was it identified in ClinVar, Cosmic or LOVD 3.0. The variant was identified in dbSNP (ID: rs370887294) and in control databases in 23 of 178142 chromosomes at a frequency of 0.000129 (Genome Aggregation Database Feb 27, 2017). The variant was observed in the following populations: African in 21 of 16522 chromosomes (freq: 0.001271) and Latino in 2 of 15422 chromosomes (freq: 0.00013), while the variant was not observed in the Ashkenazi Jewish, East Asian, European (Finnish), European (non-Finnish), Other or South Asian populations. The p.Gly305Gly variant is not expected to have clinical significance because it does not result in a change of amino acid and is not located in a known consensus splice site. However 3 of 4 in silico or computational prediction software programs (SpliceSiteFinder, MaxEntScan, NNSPLICE) predict a greater than 10% difference in splicing and the creation of a new 5' splice site. However, this information is not predictive enough to assume pathogenicity. In summary, based on the above information the clinical significance of this variant cannot be determined with certainty at this time although we would lean towards a more benign role for this variant. This variant is classified as likely benign.

NM_005850.5(SF3B4):c.915G>T (p.Gly305=)

Gene: SF3B4 (splicing factor 3b subunit 4; minus strand). Cytogenetic location: 1q21.2.
Variant type: single nucleotide variant.
Coding change: c.915G>T on transcript NM_005850.5 (MANE Select); coding-DNA position 915, G replaced by T.
Protein change: p.Gly305=; no amino-acid change (glycine 305 retained).
Molecular consequence: synonymous variant.
Genome position (GRCh38, 1-based): chr1:149,924,013, C>A on the plus strand (G>T on the coding strand, the complement: SF3B4 is on the minus strand). VCF-style: chr1-149924013-C-A. GRCh37 (hg19) VCF-style: chr1-149895905-C-A.
Other names: c.915G>T (NM_005850.4).
Identifiers: ClinVar variation 1050541 (VCV001050541.10), dbSNP rs370887294, ClinGen allele CA1071409.